The following is an entry in ClinVar:

ClinVar aggregate classification (germline): Uncertain significance. Review status: criteria provided, multiple submitters, no conflicts (2 of 4 stars). 2 submissions from 2 submitters: Uncertain significance (2). Last evaluated 2025-02-23.

gnomAD v4.1: 10 of 1,554,460 alleles (0.00064%); highest among the groups gnomAD compares: African/African-American, 0.011%; no homozygotes.

Submissions (2):

Ambry Genetics
Classification: Uncertain significance. Last evaluated: 2025-02-23. Review status: criteria provided, single submitter. Criteria: Ambry Variant Classification Scheme 2023. Collection method: clinical testing. Allele origin: germline.

GeneDx
Classification: Uncertain significance. Last evaluated: 2024-01-31. Review status: criteria provided, single submitter. Criteria: GeneDx Variant Classification Process June 2021. Collection method: clinical testing. Allele origin: germline. Affected: yes.
Comment: In silico analysis supports that this missense variant has a deleterious effect on protein structure/function; Has not been previously published as pathogenic or benign to our knowledge

NM_015512.5(DNAH1):c.9686G>T (p.Arg3229Leu)

Gene: DNAH1 (dynein axonemal heavy chain 1; plus strand). Cytogenetic location: 3p21.1.
Variant type: single nucleotide variant.
Coding change: c.9686G>T on transcript NM_015512.5 (MANE Select); coding-DNA position 9686, G replaced by T.
Protein change: p.Arg3229Leu; replaces arginine 3229 with leucine.
Molecular consequence: missense variant.
Genome position (GRCh38, 1-based): chr3:52,390,999, G>T. VCF-style: chr3-52390999-G-T. GRCh37 (hg19) VCF-style: chr3-52425015-G-T.
Other names: short protein forms R3229L.
Identifiers: ClinVar variation 3368439 (VCV003368439.2).